The following is an entry in ClinVar:

ClinVar aggregate classification (germline): Uncertain significance (1 of 4 stars; one submission).

Conditions:
Monocytopenia with susceptibility to infections. Also called: MONOCYTOPENIA AND MYCOBACTERIAL INFECTION SYNDROME; MONOCYTOPENIA WITH SUSCEPTIBILITY TO MYCOBACTERIAL, FUNGAL, AND PAPILLOMAVIRUS INFECTIONS AND MYELODYSPLASIA; COMBINED IMMUNODEFICIENCY WITH SUSCEPTIBILITY TO MYCOBACTERIAL, VIRAL, AND FUNGAL INFECTIONS; Dendritic cell, monocyte, B lymphocyte, and natural killer lymphocyte deficiency; IMMUNODEFICIENCY 21; GATA2 DEFICIENCY. Identifiers: Orphanet 228423, MedGen C3280030, MONDO:0013607, OMIM 614172.
Deafness-lymphedema-leukemia syndrome. Also called: Lymphedema, primary, with myelodysplasia; Emberger syndrome. Identifiers: Orphanet 3226, MedGen C3279664, MONDO:0013540, OMIM 614038.

gnomAD v4.1: 3 of 1,612,688 alleles (0.00019%); highest among the groups gnomAD compares: South Asian, 0.0033%; no homozygotes.

Submission:

Labcorp Genetics (formerly Invitae), Labcorp
Classification: Uncertain significance for Monocytopenia with susceptibility to infections; Deafness-lymphedema-leukemia syndrome. Last evaluated: 2025-02-13. Review status: criteria provided, single submitter. Criteria: Invitae Variant Classification Sherloc (09022015). Collection method: clinical testing. Allele origin: germline.
Comment: This sequence change replaces proline, which is neutral and non-polar, with glutamine, which is neutral and polar, at codon 42 of the GATA2 protein (p.Pro42Gln). This variant is present in population databases (rs745999608, gnomAD 0.007%). This variant has not been reported in the literature in individuals affected with GATA2-related conditions. Invitae Evidence Modeling of protein sequence and biophysical properties (such as structural, functional, and spatial information, amino acid conservation, physicochemical variation, residue mobility, and thermodynamic stability) indicates that this missense variant is not expected to disrupt GATA2 protein function with a negative predictive value of 95%. In summary, the available evidence is currently insufficient to determine the role of this variant in disease. Therefore, it has been classified as a Variant of Uncertain Significance.

NM_032638.5(GATA2):c.125C>A (p.Pro42Gln)

Gene: GATA2 (GATA binding protein 2; minus strand). Cytogenetic location: 3q21.3.
Variant type: single nucleotide variant.
Coding change: c.125C>A on transcript NM_032638.5 (MANE Select); coding-DNA position 125, C replaced by A.
Protein change: p.Pro42Gln; replaces proline 42 with glutamine.
Molecular consequence: missense variant.
Genome position (GRCh38, 1-based): chr3:128,486,907, G>T on the plus strand (C>A on the coding strand, the complement: GATA2 is on the minus strand). VCF-style: chr3-128486907-G-T. GRCh37 (hg19) VCF-style: chr3-128205750-G-T.
Other names: c.125C>A, p.Pro42Gln (NM_001145661.2, NM_001145662.1); short protein forms P42Q.
Identifiers: ClinVar variation 4789525 (VCV004789525.1).